The following is an entry in ClinVar:

NM_182961.4(SYNE1):c.23242T>A (p.Ser7748Thr)

Gene: SYNE1 (spectrin repeat containing nuclear envelope protein 1; minus strand). Cytogenetic location: 6q25.2.
Variant type: single nucleotide variant.
Coding change: c.23242T>A on transcript NM_182961.4 (MANE Select); coding-DNA position 23242, T replaced by A.
Protein change: p.Ser7748Thr; replaces serine 7748 with threonine.
Molecular consequence: missense variant.
Genome position (GRCh38, 1-based): chr6:152,189,311, A>T on the plus strand (T>A on the coding strand, the complement: SYNE1 is on the minus strand). VCF-style: chr6-152189311-A-T. GRCh37 (hg19) VCF-style: chr6-152510446-A-T.
Other names: c.23029T>A, p.Ser7677Thr (NM_033071.5); short protein forms S7677T, S7748T.
Identifiers: ClinVar variation 1434583 (VCV001434583.6), dbSNP rs2153229567, ClinGen allele CA366094156.
Genomic context (GRCh38, chr6:152,189,311, plus strand): 5'-CCTGGTGGCATAGTTCTTCCCACTGCCTTTGCAGAAGCTCTACGCGTTCATTAAGAATGG[A>T]GATATCATCAGCACTGATATAGGCAGAGAGGGTGTCCTTCAGCAGGCTCAACTGGGTCAA-3'
Protein context (NP_892006.3, residues 7738-7758): LSAYISADDI[Ser7748Thr]ILNERVELLQ

ClinVar aggregate classification (germline): Uncertain significance (1 of 4 stars; one submission).

Conditions:
Emery-Dreifuss muscular dystrophy 4, autosomal dominant (EDMD4). Also called: EMERY-DREIFUSS MUSCULAR DYSTROPHY 4 WITH VARIABLE FEATURES. Identifiers: Orphanet 261, MedGen C2751807, MONDO:0013071, OMIM 612998.
Autosomal recessive ataxia, Beauce type. Also called: Spinocerebellar ataxia, autosomal recessive 8; ATAXIA, RECESSIVE, OF BEAUCE; SYNE1 Deficiency; SYNE1-Related Autosomal Recessive Cerebellar Ataxia. Identifiers: Orphanet 88644, MedGen C1853116, MONDO:0012549, OMIM 610743.

Submission:

Labcorp Genetics (formerly Invitae), Labcorp
Classification: Uncertain significance for Emery-Dreifuss muscular dystrophy 4, autosomal dominant; Autosomal recessive ataxia, Beauce type. Last evaluated: 2022-03-08. Review status: criteria provided, single submitter. Criteria: Invitae Variant Classification Sherloc (09022015). Collection method: clinical testing. Allele origin: germline.
Comment: In summary, the available evidence is currently insufficient to determine the role of this variant in disease. Therefore, it has been classified as a Variant of Uncertain Significance. Algorithms developed to predict the effect of missense changes on protein structure and function are either unavailable or do not agree on the potential impact of this missense change (SIFT: "Deleterious"; PolyPhen-2: "Benign"; Align-GVGD: "Class C55"). This variant has not been reported in the literature in individuals affected with SYNE1-related conditions. This variant is not present in population databases (gnomAD no frequency). This sequence change replaces serine, which is neutral and polar, with threonine, which is neutral and polar, at codon 7677 of the SYNE1 protein (p.Ser7677Thr).